The following is an entry in ClinVar:

NM_004698.4(PRPF3):c.507+6G>A

Gene: PRPF3 (pre-mRNA processing factor 3; plus strand). Cytogenetic location: 1q21.2.
Variant type: single nucleotide variant.
Coding change: c.507+6G>A on transcript NM_004698.4 (MANE Select); 6 bases into the intron after coding-DNA position 507, G replaced by A.
Molecular consequence: intron variant.
Genome position (GRCh38, 1-based): chr1:150,332,773, G>A. VCF-style: chr1-150332773-G-A. GRCh37 (hg19) VCF-style: chr1-150305244-G-A.
Other names: c.102+6G>A (NM_001350529.1).
Identifiers: ClinVar variation 3631547 (VCV003631547.2).

ClinVar aggregate classification (germline): Uncertain significance (1 of 4 stars; one submission).

gnomAD v4.1: 1 of 1,613,538 alleles (0.000062%); highest among the groups gnomAD compares: East Asian, 0.0022%; no homozygotes.

Submission:

Labcorp Genetics (formerly Invitae), Labcorp
Classification: Uncertain significance. Last evaluated: 2024-08-30. Review status: criteria provided, single submitter. Criteria: Invitae Variant Classification Sherloc (09022015). Collection method: clinical testing. Allele origin: germline.
Comment: This sequence change falls in intron 5 of the PRPF3 gene. It does not directly change the encoded amino acid sequence of the PRPF3 protein. It affects a nucleotide within the consensus splice site. This variant is present in population databases (rs587673694, gnomAD 0.01%). This variant has not been reported in the literature in individuals affected with PRPF3-related conditions. Variants that disrupt the consensus splice site are a relatively common cause of aberrant splicing (PMID: 17576681, 9536098). Algorithms developed to predict the effect of sequence changes on RNA splicing suggest that this variant is not likely to affect RNA splicing. In summary, the available evidence is currently insufficient to determine the role of this variant in disease. Therefore, it has been classified as a Variant of Uncertain Significance.

Literature cited by the submitters: PubMed 17576681; PubMed 9536098.